The following is an entry in ClinVar:

ClinVar aggregate classification (germline): Uncertain significance (1 of 4 stars; one submission).

Submission:

Labcorp Genetics (formerly Invitae), Labcorp
Classification: Uncertain significance. Last evaluated: 2022-05-28. Review status: criteria provided, single submitter. Criteria: Invitae Variant Classification Sherloc (09022015). Collection method: clinical testing. Allele origin: germline.
Comment: This sequence change replaces proline, which is neutral and non-polar, with leucine, which is neutral and non-polar, at codon 696 of the COL11A1 protein (p.Pro696Leu). This variant is not present in population databases (gnomAD no frequency). This variant has not been reported in the literature in individuals affected with COL11A1-related conditions. Advanced modeling of protein sequence and biophysical properties (such as structural, functional, and spatial information, amino acid conservation, physicochemical variation, residue mobility, and thermodynamic stability) performed at Invitae indicates that this missense variant is not expected to disrupt COL11A1 protein function. In summary, the available evidence is currently insufficient to determine the role of this variant in disease. Therefore, it has been classified as a Variant of Uncertain Significance.

NM_001854.4(COL11A1):c.2087C>T (p.Pro696Leu)

Gene: COL11A1 (collagen type XI alpha 1 chain; minus strand). Cytogenetic location: 1p21.1.
Variant type: single nucleotide variant.
Coding change: c.2087C>T on transcript NM_001854.4 (MANE Select); coding-DNA position 2087, C replaced by T.
Protein change: p.Pro696Leu; replaces proline 696 with leucine.
Molecular consequence: missense variant. On other transcripts: non-coding transcript variant (1).
Genome position (GRCh38, 1-based): chr1:103,002,438, G>A on the plus strand (C>T on the coding strand, the complement: COL11A1 is on the minus strand). VCF-style: chr1-103002438-G-A. GRCh37 (hg19) VCF-style: chr1-103467994-G-A.
Other names: c.1739C>T, p.Pro580Leu (NM_001168249.1, NM_080630.4); c.1970C>T, p.Pro657Leu (NM_001190709.2); c.2123C>T, p.Pro708Leu (NM_080629.3); short protein forms P696L, P708L, P657L, P580L.
Identifiers: ClinVar variation 2100094 (VCV002100094.4), dbSNP rs2525357973, ClinGen allele CA341170695.